The following is an entry in ClinVar:

ClinVar aggregate classification (germline): Uncertain significance. Review status: criteria provided, multiple submitters, no conflicts (2 of 4 stars). 2 submissions from 2 submitters: Uncertain significance (2). Last evaluated 2024-10-19.

Conditions:
Inborn genetic diseases. Identifiers: MedGen C0950123, MeSH D030342.
Familial temporal lobe epilepsy 7. Identifiers: Orphanet 101046, MedGen C4225327, MONDO:0014639, OMIM 616436.
Norman-Roberts syndrome (LIS2). Also called: Lissencephaly 2 (Norman-Roberts type). Identifiers: Orphanet 89844, MedGen C0796089, MONDO:0009760, OMIM 257320.

Submissions (2):

Ambry Genetics
Classification: Uncertain significance for Inborn genetic diseases. Last evaluated: 2024-10-19. Review status: criteria provided, single submitter. Criteria: Ambry Variant Classification Scheme 2023. Collection method: clinical testing. Allele origin: germline.

Labcorp Genetics (formerly Invitae), Labcorp
Classification: Uncertain significance for Familial temporal lobe epilepsy 7; Norman-Roberts syndrome. Last evaluated: 2018-12-14. Review status: criteria provided, single submitter. Criteria: Invitae Variant Classification Sherloc (09022015). Collection method: clinical testing. Allele origin: germline.
Comment: This variant has not been reported in the literature in individuals with RELN-related disease. This sequence change replaces glycine with arginine at codon 3237 of the RELN protein (p.Gly3237Arg). The glycine residue is moderately conserved and there is a moderate physicochemical difference between glycine and arginine. This variant is not present in population databases (ExAC no frequency). Algorithms developed to predict the effect of missense changes on protein structure and function are either unavailable or do not agree on the potential impact of this missense change (SIFT: "Deleterious"; PolyPhen-2: "Possibly Damaging"; Align-GVGD: "Class C0"). In summary, the available evidence is currently insufficient to determine the role of this variant in disease. Therefore, it has been classified as a Variant of Uncertain Significance.

NM_005045.4(RELN):c.9709G>A (p.Gly3237Arg)

Genes: RELN (reelin; minus strand), SLC26A5-AS1 (SLC26A5 antisense RNA 1; plus strand), LOC126860130 (BRD4-independent group 4 enhancer GRCh37_chr7:103130126-103131325; plus strand). Cytogenetic location: 7q22.1.
Variant type: single nucleotide variant.
Coding change: c.9709G>A on transcript NM_005045.4 (MANE Select); coding-DNA position 9709, G replaced by A.
Protein change: p.Gly3237Arg; replaces glycine 3237 with arginine.
Molecular consequence: missense variant.
Genome position (GRCh38, 1-based): chr7:103,489,796, C>T on the plus strand (G>A on the coding strand, the complement: RELN is on the minus strand). VCF-style: chr7-103489796-C-T. GRCh37 (hg19) VCF-style: chr7-103130243-C-T.
Other names: c.9709G>A, p.Gly3237Arg (NM_173054.3); short protein forms G3237R.
Identifiers: ClinVar variation 660800 (VCV000660800.10), dbSNP rs1584222460, ClinGen allele CA368743603.